The following is an entry in ClinVar:

ClinVar aggregate classification (germline): Uncertain significance. Review status: criteria provided, multiple submitters, no conflicts (2 of 4 stars). 2 submissions from 2 submitters: Uncertain significance (2). Last evaluated 2025-03-08.

Conditions:
Inborn genetic diseases. Identifiers: MedGen C0950123, MeSH D030342.
MEGF8-related Carpenter syndrome. Also called: Carpenter syndrome 2. Identifiers: Orphanet 65759, MedGen C3554247, MONDO:0013998, OMIM 614976.

Allele frequency attached by ClinVar (database versions not stated): gnomAD 0.00001; TOPMed 0.00002.
gnomAD v4.1: 19 of 1,613,778 alleles (0.0012%); highest among the groups gnomAD compares: Admixed American, 0.0017%; no homozygotes.

Submissions (2):

Ambry Genetics
Classification: Uncertain significance for Inborn genetic diseases. Last evaluated: 2025-03-08. Review status: criteria provided, single submitter. Criteria: Ambry Variant Classification Scheme 2023. Collection method: clinical testing. Allele origin: germline.

Labcorp Genetics (formerly Invitae), Labcorp
Classification: Uncertain significance for MEGF8-related Carpenter syndrome. Last evaluated: 2022-06-24. Review status: criteria provided, single submitter. Criteria: Invitae Variant Classification Sherloc (09022015). Collection method: clinical testing. Allele origin: germline.
Comment: Algorithms developed to predict the effect of missense changes on protein structure and function are either unavailable or do not agree on the potential impact of this missense change (SIFT: "Deleterious"; PolyPhen-2: "Probably Damaging"; Align-GVGD: "Class C0"). In summary, the available evidence is currently insufficient to determine the role of this variant in disease. Therefore, it has been classified as a Variant of Uncertain Significance. This variant has not been reported in the literature in individuals affected with MEGF8-related conditions. This variant is not present in population databases (gnomAD no frequency). This sequence change replaces glycine, which is neutral and non-polar, with serine, which is neutral and polar, at codon 2134 of the MEGF8 protein (p.Gly2134Ser).

NM_001271938.2(MEGF8):c.6601G>A (p.Gly2201Ser)

Gene: MEGF8 (multiple EGF like domains 8; plus strand). Cytogenetic location: 19q13.2.
Variant type: single nucleotide variant.
Coding change: c.6601G>A on transcript NM_001271938.2 (MANE Select); coding-DNA position 6601, G replaced by A.
Protein change: p.Gly2201Ser; replaces glycine 2201 with serine.
Molecular consequence: missense variant.
Genome position (GRCh38, 1-based): chr19:42,368,962, G>A. VCF-style: chr19-42368962-G-A. GRCh37 (hg19) VCF-style: chr19-42873114-G-A.
Other names: c.6400G>A (NM_001410.2); c.6400G>A, p.Gly2134Ser (NM_001410.3); short protein forms G2201S, G2134S.
Identifiers: ClinVar variation 2140933 (VCV002140933.7), dbSNP rs1185927737, ClinGen allele CA406134737.